The following is an entry in ClinVar:

ClinVar aggregate classification (germline): Uncertain significance (1 of 4 stars; one submission).

Conditions:
Pitt-Hopkins-like syndrome 2 (PTHSL2). Identifiers: Orphanet 221150, Orphanet 600663, MedGen C3280479, MONDO:0013690, OMIM 614325.

Submission:

Labcorp Genetics (formerly Invitae), Labcorp
Classification: Uncertain significance for Pitt-Hopkins-like syndrome 2. Last evaluated: 2024-11-16. Review status: criteria provided, single submitter. Criteria: Invitae Variant Classification Sherloc (09022015). Collection method: clinical testing. Allele origin: germline.
Comment: This sequence change replaces glycine, which is neutral and non-polar, with valine, which is neutral and non-polar, at codon 499 of the NRXN1 protein (p.Gly499Val). This variant is not present in population databases (gnomAD no frequency). This variant has not been reported in the literature in individuals affected with NRXN1-related conditions. An algorithm developed to predict the effect of missense changes on protein structure and function (PolyPhen-2) suggests that this variant is likely to be disruptive. In summary, the available evidence is currently insufficient to determine the role of this variant in disease. Therefore, it has been classified as a Variant of Uncertain Significance.

NM_001330078.2(NRXN1):c.1376G>T (p.Gly459Val)

Gene: NRXN1 (neurexin 1; minus strand). Cytogenetic location: 2p16.3.
Variant type: single nucleotide variant.
Coding change: c.1376G>T on transcript NM_001330078.2 (MANE Select); coding-DNA position 1376, G replaced by T.
Protein change: p.Gly459Val; replaces glycine 459 with valine.
Molecular consequence: missense variant.
Genome position (GRCh38, 1-based): chr2:50,552,970, C>A on the plus strand (G>T on the coding strand, the complement: NRXN1 is on the minus strand). VCF-style: chr2-50552970-C-A. GRCh37 (hg19) VCF-style: chr2-50780108-C-A.
Other names: c.1337G>T, p.Gly446Val (NM_001330083.2, NM_001330084.2); c.1376G>T, p.Gly459Val (NM_001330085.2, NM_001330086.2, NM_004801.6); c.1292G>T, p.Gly431Val (NM_001330087.2, NM_001330096.2); c.1322G>T, p.Gly441Val (NM_001330088.2); c.1373G>T, p.Gly458Val (NM_001330093.2); c.1364G>T, p.Gly455Val (NM_001330094.2); c.1352G>T, p.Gly451Val (NM_001330095.2, NM_001330077.2, NM_001330082.2); c.1496G>T, p.Gly499Val (NM_001135659.3); short protein forms G499V, G431V, G451V, G455V, G458V, G441V, G446V, G459V.
Identifiers: ClinVar variation 3664414 (VCV003664414.2).